The following is an entry in ClinVar:

NM_003571.4(BFSP2):c.265C>T (p.Arg89Trp)

Gene: BFSP2 (beaded filament structural protein 2; plus strand). Cytogenetic location: 3q22.1.
Variant type: single nucleotide variant.
Coding change: c.265C>T on transcript NM_003571.4 (MANE Select); coding-DNA position 265, C replaced by T.
Protein change: p.Arg89Trp; replaces arginine 89 with tryptophan.
Molecular consequence: missense variant.
Genome position (GRCh38, 1-based): chr3:133,400,348, C>T. VCF-style: chr3-133400348-C-T. GRCh37 (hg19) VCF-style: chr3-133119192-C-T.
Other names: short protein forms R89W.
Identifiers: ClinVar variation 1065595 (VCV001065595.1), dbSNP rs200369728, ClinGen allele CA2623218.

ClinVar aggregate classification (germline): Uncertain significance (0 of 4 stars; one submission).

Conditions:
Developmental cataract. Also called: Bilateral cataracts; Congenital cataract; Congenital cataracts. Identifiers: MedGen C0009691, HP:0000519.

Allele frequency attached by ClinVar (database versions not stated): ExAC 0.00007; gnomAD exomes 0.00010; gnomAD 0.00016 and 0.00017; TOPMed 0.00022; ESP Exome Variant Server 0.00023; 1000 Genomes Project 30x 0.00031; 1000 Genomes Project 0.00040.
gnomAD v4.1: 248 of 1,614,022 alleles (0.015%); highest among the groups gnomAD compares: Non-Finnish European, 0.019%; no homozygotes.

Submission:

Dept. Genetics and Cancer, Menzies Institute for Medical Research, University of Tasmania
Classification: Uncertain significance for Developmental cataract. Last evaluated: 2021-05-01. Review status: no assertion criteria provided. Criteria: ACMG Guidelines, 2015. Collection method: research. Allele origin: germline. Affected: yes.
Comment: PM2, PP1_supporting, PP3. Supporting for absent/near absent from population databases. Segregation (supporting) with the disease in the family with â‰¥3 meioses. Multiple predictive tools assessing variant as damaging/pathogenic.